The following is an entry in ClinVar:

ClinVar aggregate classification (germline): Uncertain significance (1 of 4 stars; one submission).

Allele frequency attached by ClinVar (database versions not stated): gnomAD exomes below 0.00001; TOPMed below 0.00001.

Submission:

Labcorp Genetics (formerly Invitae), Labcorp
Classification: Uncertain significance. Last evaluated: 2021-12-02. Review status: criteria provided, single submitter. Criteria: Invitae Variant Classification Sherloc (09022015). Collection method: clinical testing. Allele origin: germline.
Comment: This sequence change replaces cysteine, which is neutral and slightly polar, with tyrosine, which is neutral and polar, at codon 286 of the NDUFV1 protein (p.Cys286Tyr). This variant is not present in population databases (gnomAD no frequency). This variant has not been reported in the literature in individuals affected with NDUFV1-related conditions. Advanced modeling of protein sequence and biophysical properties (such as structural, functional, and spatial information, amino acid conservation, physicochemical variation, residue mobility, and thermodynamic stability) performed at Invitae indicates that this missense variant is expected to disrupt NDUFV1 protein function. In summary, the available evidence is currently insufficient to determine the role of this variant in disease. Therefore, it has been classified as a Variant of Uncertain Significance.

NM_007103.4(NDUFV1):c.857G>A (p.Cys286Tyr)

Gene: NDUFV1 (NADH:ubiquinone oxidoreductase core subunit V1; plus strand). Cytogenetic location: 11q13.2.
Variant type: single nucleotide variant.
Coding change: c.857G>A on transcript NM_007103.4 (MANE Select); coding-DNA position 857, G replaced by A.
Protein change: p.Cys286Tyr; replaces cysteine 286 with tyrosine.
Molecular consequence: missense variant.
Genome position (GRCh38, 1-based): chr11:67,611,151, G>A. VCF-style: chr11-67611151-G-A. GRCh37 (hg19) VCF-style: chr11-67378622-G-A.
Other names: c.830G>A, p.Cys277Tyr (NM_001166102.2); short protein forms C277Y, C286Y.
Identifiers: ClinVar variation 1911749 (VCV001911749.5), dbSNP rs1854907082, ClinGen allele CA381538747.